The following is an entry in ClinVar:

NM_005051.3(QARS1):c.191G>C (p.Arg64Thr)

Gene: QARS1 (glutaminyl-tRNA synthetase 1; minus strand). Cytogenetic location: 3p21.31.
Variant type: single nucleotide variant.
Coding change: c.191G>C on transcript NM_005051.3 (MANE Select); coding-DNA position 191, G replaced by C.
Protein change: p.Arg64Thr; replaces arginine 64 with threonine.
Molecular consequence: missense variant. On other transcripts: non-coding transcript variant (1).
Genome position (GRCh38, 1-based): chr3:49,104,398, C>G on the plus strand (G>C on the coding strand, the complement: QARS1 is on the minus strand). VCF-style: chr3-49104398-C-G. GRCh37 (hg19) VCF-style: chr3-49141831-C-G.
Other names: p.Arg64Thr; c.191G>C, p.Arg64Thr (NM_001272073.2); short protein forms R64T.
Identifiers: ClinVar variation 4540872 (VCV004540872.1).

ClinVar aggregate classification (germline): Uncertain significance (1 of 4 stars; one submission).

Submission:

Mayo Clinic Laboratories, Mayo Clinic
Classification: Uncertain significance. Last evaluated: 2025-02-15. Review status: criteria provided, single submitter. Criteria: ACMG Guidelines, 2015. Collection method: clinical testing. Allele origin: germline. Observed: 1 variant allele.
Comment: BP4, PM2_supporting